The following is an entry in ClinVar:

NM_000075.4(CDK4):c.90C>G (p.His30Gln)

Gene: CDK4 (cyclin dependent kinase 4; minus strand). Cytogenetic location: 12q14.1.
Variant type: single nucleotide variant.
Coding change: c.90C>G on transcript NM_000075.4 (MANE Select); coding-DNA position 90, C replaced by G.
Protein change: p.His30Gln; replaces histidine 30 with glutamine.
Molecular consequence: missense variant.
Genome position (GRCh38, 1-based): chr12:57,751,628, G>C on the plus strand (C>G on the coding strand, the complement: CDK4 is on the minus strand). VCF-style: chr12-57751628-G-C. GRCh37 (hg19) VCF-style: chr12-58145411-G-C.
Other names: short protein forms H30Q.
Identifiers: ClinVar variation 3230250 (VCV003230250.1), dbSNP rs2140388517, ClinGen allele CA385548922.

ClinVar aggregate classification (germline): Uncertain significance (1 of 4 stars; one submission).

Conditions:
Hereditary cancer-predisposing syndrome. Also called: Neoplastic Syndromes, Hereditary; Tumor predisposition; Hereditary neoplastic syndrome; Hereditary Cancer Syndrome. Identifiers: Orphanet 140162, MedGen C0027672, MeSH D009386, MONDO:0015356.

Submission:

Ambry Genetics
Classification: Uncertain significance for Hereditary cancer-predisposing syndrome. Last evaluated: 2023-12-29. Review status: criteria provided, single submitter. Criteria: Ambry Variant Classification Scheme 2023. Collection method: clinical testing. Allele origin: germline.
Comment: The p.H30Q variant (also known as c.90C>G), located in coding exon 1 of the CDK4 gene, results from a C to G substitution at nucleotide position 90. The histidine at codon 30 is replaced by glutamine, an amino acid with highly similar properties. This amino acid position is conserved. In addition, this alteration is predicted to be tolerated by in silico analysis. Since supporting evidence is limited at this time, the clinical significance of this alteration remains unclear.